The following is an entry in ClinVar:

ClinVar aggregate classification (germline): Pathogenic/Likely pathogenic. Review status: criteria provided, multiple submitters, no conflicts (2 of 4 stars). 2 submissions from 2 submitters: Pathogenic (1); Likely pathogenic (1). Last evaluated 2023-08-03.

Conditions:
Early-infantile DEE. Also called: Early infantile epileptic encephalopathy; Ohtahara syndrome; Early infantile epileptic encephalopathy with suppression bursts. Identifiers: Orphanet 1934, MedGen C0393706, MONDO:0800491.

Submissions (2):

GeneDx
Classification: Likely pathogenic. Last evaluated: 2023-08-03. Review status: criteria provided, single submitter. Criteria: GeneDx Variant Classification Process June 2021. Collection method: clinical testing. Allele origin: germline. Affected: yes.
Comment: Observed in an individual with Dravet syndrome (Lee et al., 2015); Not observed at significant frequency in large population cohorts (gnomAD); Missense variants in this gene are often considered pathogenic (HGMD); In silico analysis supports that this missense variant has a deleterious effect on protein structure/function; This variant is associated with the following publications: (PMID: 25459968)

Labcorp Genetics (formerly Invitae), Labcorp
Classification: Pathogenic for Early-infantile DEE. Last evaluated: 2022-08-23. Review status: criteria provided, single submitter. Criteria: Invitae Variant Classification Sherloc (09022015). Collection method: clinical testing. Allele origin: germline.
Comment: Advanced modeling of protein sequence and biophysical properties (such as structural, functional, and spatial information, amino acid conservation, physicochemical variation, residue mobility, and thermodynamic stability) performed at Invitae indicates that this missense variant is expected to disrupt SCN1A protein function. For these reasons, this variant has been classified as Pathogenic. This variant disrupts the p.Arg1642 amino acid residue in SCN1A. Other variant(s) that disrupt this residue have been observed in individuals with SCN1A-related conditions (PMID: 23195492), which suggests that this may be a clinically significant amino acid residue. ClinVar contains an entry for this variant (Variation ID: 658621). This missense change has been observed in individual(s) with early-onset epilepsy (PMID: 25459968; Invitae). In at least one individual the variant was observed to be de novo. This variant is not present in population databases (gnomAD no frequency). This sequence change replaces arginine, which is basic and polar, with methionine, which is neutral and non-polar, at codon 1642 of the SCN1A protein (p.Arg1642Met).

Literature cited by the submitters: PubMed 23195492 (cited by Labcorp Genetics (formerly Invitae), Labcorp); PubMed 25459968 (cited by Labcorp Genetics (formerly Invitae), Labcorp).

NM_001165963.4(SCN1A):c.4925G>T (p.Arg1642Met)

Genes: SCN1A (sodium voltage-gated channel alpha subunit 1; minus strand), LOC102724058 (uncharacterized LOC102724058; plus strand). Cytogenetic location: 2q24.3.
Variant type: single nucleotide variant.
Coding change: c.4925G>T on transcript NM_001165963.4 (MANE Select); coding-DNA position 4925, G replaced by T.
Protein change: p.Arg1642Met; replaces arginine 1642 with methionine.
Molecular consequence: missense variant. On other transcripts: non-coding transcript variant (1).
Genome position (GRCh38, 1-based): chr2:165,992,350, C>A on the plus strand (G>T on the coding strand, the complement: SCN1A is on the minus strand). VCF-style: chr2-165992350-C-A. GRCh37 (hg19) VCF-style: chr2-166848860-C-A.
Other names: c.4841G>T, p.Arg1614Met (NM_001165964.3, NM_001353957.2, NM_001353958.2); c.4925G>T, p.Arg1642Met (NM_001202435.3, NM_001353948.2); c.4892G>T, p.Arg1631Met (NM_001353949.2, NM_001353950.2, NM_001353951.2 and 2 more transcripts); c.4889G>T, p.Arg1630Met (NM_001353954.2, NM_001353955.2); c.4838G>T, p.Arg1613Met (NM_001353960.2); c.2483G>T, p.Arg828Met (NM_001353961.2); short protein forms R1631M, R1613M, R1642M, R1614M, R1630M, R828M.
Identifiers: ClinVar variation 658621 (VCV000658621.10), dbSNP rs1573952908, ClinGen allele CA349070177.